The following is an entry in ClinVar:

ClinVar aggregate classification (germline): Pathogenic (1 of 4 stars; one submission).

Conditions:
Retinoblastoma (RB1). Also called: RETINOBLASTOMA, SOMATIC. Identifiers: Orphanet 790, MedGen C0035335, MeSH D012175, MONDO:0008380, OMIM 180200, HP:0009919. Disease mechanism: loss of function. Inheritance: Both sporadic and heritable forms are tested..

Submission:

Labcorp Genetics (formerly Invitae), Labcorp
Classification: Pathogenic for Retinoblastoma. Last evaluated: 2018-09-11. Review status: criteria provided, single submitter. Criteria: Invitae Variant Classification Sherloc (09022015). Collection method: clinical testing. Allele origin: germline.
Comment: For these reasons, this variant has been classified as Pathogenic. Loss-of-function variants in RB1 are known to be pathogenic (PMID: 17096365). This variant has not been reported in the literature in individuals with RB1-related disease. This variant is not present in population databases (ExAC no frequency). This sequence change creates a premature translational stop signal (p.Cys283*) in the RB1 gene. It is expected to result in an absent or disrupted protein product.

Literature cited by the submitters: PubMed 17096365.

NM_000321.3(RB1):c.849_856del (p.Cys283_Asp286delinsTer)

Gene: RB1 (RB transcriptional corepressor 1; plus strand). Cytogenetic location: 13q14.2.
Variant type: Deletion.
Coding change: c.849_856del on transcript NM_000321.3 (MANE Select); coding-DNA positions 849 to 856, 8 bases deleted (TAATATAG; older notation c.849_856delTAATATAG).
Protein change: p.Cys283_Asp286delinsTer.
Molecular consequence: nonsense.
Genome position (GRCh38, 1-based): chr13:48,362,945-48,362,952, TAATATAG deleted; deleting any 8 consecutive bases within chr13:48,362,944-48,362,952 gives the same sequence; the c. name uses the placement nearest the transcript's 3' end. VCF-style (leftmost placement, unchanged base first): chr13-48362943-TGTAATATA-T. GRCh37 (hg19) VCF-style: chr13-48937079-TGTAATATA-T.
Other names: c.849_856delTAATATAG (NM_000321.2).
Identifiers: ClinVar variation 640850 (VCV000640850.6), dbSNP rs1593445220, ClinGen allele CA915948647.
Genomic context (GRCh38, chr13:48,362,943, plus strand): 5'-ATAGCAAAACAACTAGAAAATGATACAAGAATTATTGAAGTTCTCTGTAAAGAACATGAA[TGTAATATA>T]GATGAGGTAATTTAACTTCATGATTTCTTTAAAACAGTTAAAGTAGATTTAGATGTAAGT-3'